The following is an entry in ClinVar:

ClinVar aggregate classification (germline): Likely benign (1 of 4 stars; one submission).

Conditions:
NR0B2-related disorder. Also called: NR0B2-related condition.

gnomAD v4.1: 3 of 1,614,124 alleles (0.00019%); highest among the groups gnomAD compares: African/African-American, 0.004%; no homozygotes.

Submission:

PreventionGenetics, part of Exact Sciences
Classification: Likely benign for NR0B2-related condition. Last evaluated: 2025-08-07. Review status: criteria provided, single submitter. Criteria: ACMG Guidelines, 2015. Collection method: clinical testing. Allele origin: germline.
Comment: This variant is classified as likely benign based on ACMG/AMP sequence variant interpretation guidelines (Richards et al. 2015 PMID: 25741868, with internal and published modifications).

NM_021969.3(NR0B2):c.657C>T (p.Leu219=)

Genes: NR0B2 (nuclear receptor subfamily 0 group B member 2; minus strand), NUDC (nuclear distribution C, dynein complex regulator; plus strand). Cytogenetic location: 1p36.11.
Variant type: single nucleotide variant.
Coding change: c.657C>T on transcript NM_021969.3 (MANE Select); coding-DNA position 657, C replaced by T.
Protein change: p.Leu219=; no amino-acid change (leucine 219 retained).
Molecular consequence: synonymous variant.
Genome position (GRCh38, 1-based): chr1:26,911,962, G>A on the plus strand (C>T on the coding strand, the complement: NR0B2 is on the minus strand). VCF-style: chr1-26911962-G-A. GRCh37 (hg19) VCF-style: chr1-27238453-G-A.
Identifiers: ClinVar variation 4977822 (VCV004977822.1).